The following is an entry in ClinVar:

NM_007294.4(BRCA1):c.3436_3439del (p.Cys1146fs)

Genes: BRCA1 (BRCA1 DNA repair associated; minus strand), LOC126862571 (BRD4-independent group 4 enhancer GRCh37_chr17:41243136-41244335; plus strand). Cytogenetic location: 17q21.31.
Variant type: Deletion.
Coding change: c.3436_3439del on transcript NM_007294.4 (MANE Select); coding-DNA positions 3436 to 3439, 4 bases deleted (TGTT; older notation c.3436_3439delTGTT).
Protein change: p.Cys1146fs; shifts the reading frame from cysteine 1146.
Molecular consequence: frameshift variant. On other transcripts: intron variant (135).
Genome position (GRCh38, 1-based): chr17:43,092,092-43,092,095, AACA deleted on the plus strand (TGTT on the coding strand, the reverse complement: BRCA1 is on the minus strand); deleting any 4 consecutive bases within chr17:43,092,092-43,092,098 gives the same sequence; the c. name uses the placement nearest the transcript's 3' end. VCF-style (leftmost placement, unchanged base first): chr17-43092091-GAACA-G. GRCh37 (hg19) VCF-style: chr17-41244108-GAACA-G.
Other names: 3555del4; c.3436_3439delTGTT (NM_007294.3); c.3433_3436del, p.Cys1145fs (NM_001407860.1, NM_001407861.1, NM_001407587.1 and 22 more transcripts); c.3235_3238del, p.Cys1079fs (NM_001407862.1); c.3313_3316del, p.Cys1105fs (NM_001407863.1, NM_001407919.1, NM_001407937.1 and 19 more transcripts); c.3232_3235del, p.Cys1078fs (NM_001407874.1, NM_001407875.1); c.3226_3229del, p.Cys1076fs (NM_001407879.1, NM_001407881.1, NM_001407882.1 and 13 more transcripts); c.3223_3226del, p.Cys1075fs (NM_001407894.1, NM_001407895.1, NM_001407896.1 and 9 more transcripts); and 44 more; short protein forms C1146fs, C1099fs, C1019fs, C1075fs, C1078fs, C1104fs, C1105fs, C1120fs.
Identifiers: ClinVar variation 54885 (VCV000054885.35), dbSNP rs397509067, ClinGen allele CA002224.
Genomic context (GRCh38, chr17:43,092,091, plus strand): 5'-TCAGCAAAACTAGTATCTTCCTTTATTTCACCATCATCTAACAGGTCATCAGGTGTCTCA[GAACA>G]AACCTGAGATGCATGACTACTTCCCATAGGCTGTTCTAAGTTATCTGAAATCAGATATGG-3'

ClinVar aggregate classification (germline): Pathogenic. Review status: reviewed by expert panel (3 of 4 stars). 17 submissions from 15 submitters: Pathogenic (1). 16 of the submissions do not count toward it. Last evaluated 2016-09-08.

Conditions:
Familial cancer of breast. Also called: Hereditary breast cancer; hereditary breast carcinoma; BREAST CANCER, FAMILIAL. Identifiers: Orphanet 227535, MedGen C0346153, MONDO:0016419, OMIM 114480. Disease mechanism: loss of function.
Breast-ovarian cancer, familial, susceptibility to, 1 (BROVCA1). Also called: OVARIAN CANCER, SUSCEPTIBILITY TO; BRCA1 Hereditary Breast and Ovarian Cancer. Identifiers: Orphanet 145, MedGen C2676676, MONDO:0011450, OMIM 604370. Disease mechanism: loss of function.
Fanconi anemia, complementation group S (FANCS). Identifiers: MedGen C4554406, MONDO:0054748, OMIM 617883.
Hereditary cancer-predisposing syndrome. Also called: Tumor predisposition; Neoplastic Syndromes, Hereditary; Hereditary Cancer Syndrome; Hereditary neoplastic syndrome. Identifiers: Orphanet 140162, MedGen C0027672, MeSH D009386, MONDO:0015356.
Hereditary breast ovarian cancer syndrome. Also called: Hereditary breast and ovarian cancer syndrome (HBOC); Hereditary breast and ovarian cancer syndrome; Hereditary breast and ovarian cancer; Hereditary breast and/or ovarian cancer syndrome; Breast and ovarian cancer; BRCA1- and BRCA2-Associated Hereditary Breast and Ovarian Cancer. Identifiers: Orphanet 145, MedGen C0677776, MeSH D061325, MONDO:0003582. Disease mechanism: loss of function.
Malignant tumor of breast. Also called: Malignant breast neoplasm; Cancer breast. Identifiers: MedGen C0006142, MONDO:0007254. Disease mechanism: loss of function.

Submissions 1 to 11 of 17:

Evidence-based Network for the Interpretation of Germline Mutant Alleles (ENIGMA)
Classification: Pathogenic for Breast-ovarian cancer, familial, susceptibility to, 1. Last evaluated: 2016-09-08. Review status: reviewed by expert panel. Criteria: ENIGMA BRCA1/2 Classification Criteria (2015). Collection method: curation. Allele origin: germline.
Comment: Variant allele predicted to encode a truncated non-functional protein.

Labcorp Genetics (formerly Invitae), Labcorp
Classification: Pathogenic for Hereditary breast ovarian cancer syndrome. Last evaluated: 2025-11-17. Review status: criteria provided, single submitter. Criteria: Invitae Variant Classification Sherloc (09022015). Collection method: clinical testing. Allele origin: germline. Not counted in ClinVar's aggregate classification.
Comment: This sequence change creates a premature translational stop signal (p.Cys1146Leufs*8) in the BRCA1 gene. It is expected to result in an absent or disrupted protein product. Loss-of-function variants in BRCA1 are known to be pathogenic (PMID: 20104584). This variant is not present in population databases (gnomAD no frequency). This premature translational stop signal has been observed in individual(s) with breast and/or ovarian cancer (PMID: 10644434, 22798144, 22923021, 25452441). This variant is also known as 3555del4. ClinVar contains an entry for this variant (Variation ID: 54885). For these reasons, this variant has been classified as Pathogenic.

Ambry Genetics
Classification: Pathogenic for Hereditary cancer-predisposing syndrome. Last evaluated: 2023-10-03. Review status: criteria provided, single submitter. Criteria: Ambry Variant Classification Scheme 2023. Collection method: clinical testing. Allele origin: germline. Not counted in ClinVar's aggregate classification.
Comment: The c.3436_3439delTGTT pathogenic mutation, located in coding exon 9 of the BRCA1 gene, results from a deletion of 4 nucleotides at nucleotide positions 3436 to 3439, causing a translational frameshift with a predicted alternate stop codon (p.C1146Lfs*8). This mutation has been reported in multiple hereditary breast and ovarian cancer (HBOC) families (Wagner T et al. Genomics 1999 Dec; 62(3):369-76; Kim H et al. Breast Cancer Res. Treat., 2012 Aug;134:1315-26; Novakovi S et al. Int. J. Oncol. 2012 Nov; 41(5):1619-27; Couch FJ et al. J. Clin. Oncol., 2015 Feb;33:304-11; Jian W et al. Hered Cancer Clin Pract, 2017 Oct;15:19; Apessos A et al. Cancer Genet, 2018 01;220:1-12; Yi D et al. Hum. Genomics, 2019 01;13:4; Farra C et al. Hered Cancer Clin Pract, 2019 Jan;17:4). Of note, this alteration may also be designated as 3555delTGTT, 3553delTTTG or 3555_3558delTGTT. In addition to the clinical data presented in the literature, this alteration is expected to result in loss of function by premature protein truncation or nonsense-mediated mRNA decay. As such, this alteration is interpreted as a disease-causing mutation.

Baylor Genetics
Classification: Pathogenic for Breast-ovarian cancer, familial, susceptibility to, 1. Last evaluated: 2023-06-09. Review status: criteria provided, single submitter. Criteria: ACMG Guidelines, 2015. Collection method: clinical testing. Allele origin: unknown. Not counted in ClinVar's aggregate classification.

Institute of Medical Genetics and Applied Genomics, University Hospital Tübingen
Classification: Pathogenic for Hereditary breast ovarian cancer syndrome. Last evaluated: 2022-12-23. Review status: criteria provided, single submitter. Criteria: ACMG Guidelines, 2015. Collection method: clinical testing. Allele origin: germline. Inheritance: Autosomal dominant inheritance. Affected: yes. Not counted in ClinVar's aggregate classification.

Color Diagnostics, LLC DBA Color Health
Classification: Pathogenic for Hereditary cancer-predisposing syndrome. Last evaluated: 2022-08-01. Review status: criteria provided, single submitter. Criteria: ACMG Guidelines, 2015. Collection method: clinical testing. Allele origin: germline. Not counted in ClinVar's aggregate classification.
Comment: This variant deletes 4 nucleotides in exon 10 of the BRCA1 gene, creating a frameshift and premature translation stop signal. This variant is expected to result in an absent or non-functional protein product. This variant has been reported in several individuals affected with breast or ovarian cancer (PMID: 22798144, 22923021, 25452441, 29093764, 30630526, 33558524, 35281878). This variant has not been identified in the general population by the Genome Aggregation Database (gnomAD). Loss of BRCA1 function is a known mechanism of disease. Based on the available evidence, this variant is classified as Pathogenic.

Women's Health and Genetics/Laboratory Corporation of America, LabCorp
Classification: Pathogenic for Hereditary breast ovarian cancer syndrome. Last evaluated: 2021-04-03. Review status: criteria provided, single submitter. Criteria: LabCorp Variant Classification Summary - May 2015. Collection method: clinical testing. Allele origin: germline. Not counted in ClinVar's aggregate classification.
Comment: Variant summary: BRCA1 c.3436_3439delTGTT (p.Cys1146LeufsX8) results in a premature termination codon, predicted to cause a truncation of the encoded protein or absence of the protein due to nonsense mediated decay, which are commonly known mechanisms for disease. Truncations downstream of this position have been classified as pathogenic by our laboratory. The variant was absent in 251228 control chromosomes. c.3436_3439delTGTT has been reported in the literature in individuals affected with Hereditary Breast And Ovarian Cancer Syndrome (example, Wagner_1999, Couch_2015, Kim_2012, Moradian_2021). These data indicate that the variant is likely to be associated with disease. To our knowledge, no experimental evidence demonstrating an impact on protein function has been reported. Multiple clinical diagnostic laboratories and an expert panel (ENIGMA) have submitted clinical-significance assessments for this variant to ClinVar after 2014 without evidence for independent evaluation. All submitters classified the variant as pathogenic. Based on the evidence outlined above, the variant was classified as pathogenic.

Department of Molecular Diagnostics, Institute of Oncology Ljubljana
Classification: Pathogenic for Breast-ovarian cancer, familial, susceptibility to, 1. Last evaluated: 2020-04-02. Review status: criteria provided, single submitter. Criteria: ACMG Guidelines, 2015. Collection method: clinical testing. Allele origin: germline. Affected: yes. Not counted in ClinVar's aggregate classification.

Baylor Genetics
Classification: Pathogenic for Familial cancer of breast. Last evaluated: 2017-02-23. Review status: criteria provided, single submitter. Criteria: ACMG Guidelines, 2015. Collection method: clinical testing. Allele origin: germline. Inheritance: Autosomal dominant inheritance. Affected: yes. Observed: 1 variant allele. Not counted in ClinVar's aggregate classification.

GeneKor MSA
Classification: Pathogenic. Last evaluated: 2016-07-01. Review status: criteria provided, single submitter. Criteria: ACMG Guidelines, 2015. Collection method: clinical testing. Allele origin: germline. Not counted in ClinVar's aggregate classification.

Fulgent Genetics
Classification: Pathogenic for Breast-ovarian cancer, familial, susceptibility to, 1. Last evaluated: 2015-08-07. Review status: criteria provided, single submitter. Criteria: ACMG Guidelines, 2015. Collection method: clinical testing. Allele origin: unknown. Inheritance: Autosomal dominant inheritance. Not counted in ClinVar's aggregate classification.